The following is an entry in ClinVar:

NM_001277115.2(DNAH11):c.7493del (p.Leu2498fs)

Gene: DNAH11 (dynein axonemal heavy chain 11; plus strand). Cytogenetic location: 7p15.3.
Variant type: Deletion.
Coding change: c.7493del on transcript NM_001277115.2 (MANE Select); coding-DNA position 7493, one base deleted (T; older notation c.7493delT).
Protein change: p.Leu2498fs; shifts the reading frame from leucine 2498.
Molecular consequence: frameshift variant.
Genome position (GRCh38, 1-based): chr7:21,735,692, T deleted; the last of 2 consecutive T bases (chr7:21,735,691-21,735,692); deleting either gives the same sequence. VCF-style (leftmost placement, unchanged base first): chr7-21735690-GT-G. GRCh37 (hg19) VCF-style: chr7-21775308-GT-G.
Other names: c.7514delT, p.Leu2505Cysfs (NM_003777.3); short protein forms L2498fs.
Identifiers: ClinVar variation 2743233 (VCV002743233.3), dbSNP rs2535083418, ClinGen allele CA2697557127.
Genomic context (GRCh38, chr7:21,735,690, plus strand): 5'-CTCCTCCCAGACAGTTCTCGTTCACACAACAGAGACAGCTCGTCTTAGATATTTCATGGA[GT>G]TGTTGCTTGAGAAAGGAAAACCTCTAATGCTAGTAGGAAATGCAGGAGTGGGAAAAACAG-3'

ClinVar aggregate classification (germline): Pathogenic (1 of 4 stars; one submission).

Conditions:
Primary ciliary dyskinesia. Also called: Ciliary dyskinesia. Identifiers: Orphanet 244, MedGen C0008780, MONDO:0016575, HP:0012265.

Submission:

Labcorp Genetics (formerly Invitae), Labcorp
Classification: Pathogenic for Primary ciliary dyskinesia. Last evaluated: 2023-07-14. Review status: criteria provided, single submitter. Criteria: Invitae Variant Classification Sherloc (09022015). Collection method: clinical testing. Allele origin: germline.
Comment: This variant is not present in population databases (gnomAD no frequency). For these reasons, this variant has been classified as Pathogenic. This variant has not been reported in the literature in individuals affected with DNAH11-related conditions. This sequence change creates a premature translational stop signal (p.Leu2498Cysfs*9) in the DNAH11 gene. It is expected to result in an absent or disrupted protein product. Loss-of-function variants in DNAH11 are known to be pathogenic (PMID: 18022865, 20513915, 22184204).

Literature cited by the submitters: PubMed 18022865; PubMed 20513915; PubMed 22184204.